The following is an entry in ClinVar:

ClinVar aggregate classification (germline): Uncertain significance (1 of 4 stars; one submission).

Conditions:
Fibrous dysplasia of jaw (CRBM). Also called: Cherubism. Identifiers: Orphanet 184, MedGen C0008029, MONDO:0007315, OMIM 118400.

Submission:

Labcorp Genetics (formerly Invitae), Labcorp
Classification: Uncertain significance for Fibrous dysplasia of jaw. Last evaluated: 2025-10-08. Review status: criteria provided, single submitter. Criteria: Invitae Variant Classification Sherloc (09022015). Collection method: clinical testing. Allele origin: germline.
Comment: This sequence change creates a premature translational stop signal (p.Val381Argfs*14) in the SH3BP2 gene. It is expected to result in an absent or disrupted protein product. However, the current clinical and genetic evidence is not sufficient to establish whether loss-of-function variants in SH3BP2 cause disease. The frequency data for this variant in the population databases is considered unreliable, as metrics indicate poor data quality at this position in the gnomAD database. This variant has not been reported in the literature in individuals affected with SH3BP2-related conditions. ClinVar contains an entry for this variant (Variation ID: 1354671). In summary, the available evidence is currently insufficient to determine the role of this variant in disease. Therefore, it has been classified as a Variant of Uncertain Significance.

NM_001122681.2(SH3BP2):c.1140dup (p.Val381fs)

Gene: SH3BP2 (SH3 domain binding protein 2; plus strand). Cytogenetic location: 4p16.3.
Variant type: Duplication.
Coding change: c.1140dup on transcript NM_001122681.2 (MANE Select); coding-DNA position 1140, one base duplicated (C; older notation c.1140dupC).
Protein change: p.Val381fs; shifts the reading frame from valine 381.
Molecular consequence: frameshift variant.
Genome position (GRCh38, 1-based): chr4:2,830,046, C duplicated; the last of 6 consecutive C bases (chr4:2,830,041-2,830,046); duplicating any one gives the same sequence. VCF-style (leftmost placement, unchanged base first): chr4-2830040-G-GC. GRCh37 (hg19) VCF-style: chr4-2831767-G-GC.
Other names: c.1224dup, p.Val409fs (NM_001145855.2); c.1311dup, p.Val438fs (NM_001145856.2); c.1140dup, p.Val381fs (NM_003023.4); short protein forms V409fs, V381fs, V438fs.
Identifiers: ClinVar variation 1354671 (VCV001354671.6), dbSNP rs759199606, ClinGen allele CA2819394.
Genomic context (GRCh38, chr4:2,830,040, plus strand): 5'-GTTCCTGAAGATAGCTGAAGAGGACCCCCCAAGGGAGGCAGCCATGCCCGGACTCTTTGT[G>GC]CCCCCCGTGGCTCCCCGGCCTCCTGCGCTGAAGCTGCCAGTGCCTGAGGCCATGGCGCGG-3'